The following is an entry in ClinVar:

ClinVar aggregate classification (germline): Pathogenic (1 of 4 stars; one submission).

Conditions:
Cerebral cavernous malformation (CCM). Also called: Cerebral cavernous hemangioma (type); Cerebral cavernous malformations; CAVERNOUS ANGIOMA, FAMILIAL; CAVERNOUS ANGIOMATOUS MALFORMATIONS; CEREBRAL CAPILLARY MALFORMATIONS; Cavernous Hemangioma of Brain. Identifiers: Orphanet 221061, MedGen C2919945, MONDO:0000820, OMIM 116860, HP:0033522.

Submission:

Labcorp Genetics (formerly Invitae), Labcorp
Classification: Pathogenic for Cerebral cavernous malformation. Last evaluated: 2019-12-03. Review status: criteria provided, single submitter. Criteria: Invitae Variant Classification Sherloc (09022015). Collection method: clinical testing. Allele origin: germline.
Comment: This variant is not present in population databases (ExAC no frequency). For these reasons, this variant has been classified as Pathogenic. Loss-of-function variants in KRIT1 are known to be pathogenic (PMID: 10508515, 11222804, 12404106, 24689081). Algorithms developed to predict the effect of sequence changes on RNA splicing suggest that this variant may create or strengthen a splice site, but this prediction has not been confirmed by published transcriptional studies. This variant has not been reported in the literature in individuals with KRIT1-related conditions. This sequence change creates a premature translational stop signal (p.Gln689*) in the KRIT1 gene. It is expected to result in an absent or disrupted protein product.

Literature cited by the submitters: PubMed 10508515; PubMed 11222804; PubMed 12404106; PubMed 24689081.

NM_194454.3(KRIT1):c.2065C>T (p.Gln689Ter)

Gene: KRIT1 (KRIT1 ankyrin repeat containing; minus strand). Cytogenetic location: 7q21.2.
Variant type: single nucleotide variant.
Coding change: c.2065C>T on transcript NM_194454.3 (MANE Select); coding-DNA position 2065, C replaced by T.
Protein change: p.Gln689Ter; replaces glutamine 689 with a stop codon.
Molecular consequence: nonsense.
Genome position (GRCh38, 1-based): chr7:92,201,384, G>A on the plus strand (C>T on the coding strand, the complement: KRIT1 is on the minus strand). VCF-style: chr7-92201384-G-A. GRCh37 (hg19) VCF-style: chr7-91830698-G-A.
Other names: c.1921C>T, p.Gln641Ter (NM_001013406.2, NM_001350669.1, NM_001350670.1); c.1351C>T, p.Gln451Ter (NM_001350671.1); c.2065C>T, p.Gln689Ter (NM_001350672.1, NM_001350673.1, NM_001350674.1 and 26 more transcripts); short protein forms Q451*, Q689*, Q641*.
Identifiers: ClinVar variation 846115 (VCV000846115.8), dbSNP rs1790098079, ClinGen allele CA368166862.